The following is an entry in ClinVar:

NM_001039706.3(CFAP69):c.36C>T (p.Ala12=)

Gene: CFAP69 (cilia and flagella associated protein 69; plus strand). Cytogenetic location: 7q21.13.
Variant type: single nucleotide variant.
Coding change: c.36C>T on transcript NM_001039706.3 (MANE Select); coding-DNA position 36, C replaced by T.
Protein change: p.Ala12=; no amino-acid change (alanine 12 retained).
Molecular consequence: synonymous variant.
Genome position (GRCh38, 1-based): chr7:90,245,460, C>T. VCF-style: chr7-90245460-C-T. GRCh37 (hg19) VCF-style: chr7-89874774-C-T.
Other names: c.36C>T, p.Ala12= (NM_001160138.2, NM_001363438.1).
Identifiers: ClinVar variation 768178 (VCV000768178.7), dbSNP rs17865323, ClinGen allele CA4333151.

ClinVar aggregate classification (germline): Benign. Review status: criteria provided, multiple submitters, no conflicts (2 of 4 stars). 3 submissions from 3 submitters: Benign (2). 1 of the submissions does not count toward it. Last evaluated 2019-12-31.

Conditions:
CFAP69-related disorder. Also called: CFAP69-related condition.

Allele frequency attached by ClinVar (database versions not stated): gnomAD exomes 0.00122 and 0.00314; ExAC 0.00479; ESP Exome Variant Server 0.01501; gnomAD 0.01523 and 0.01639; 1000 Genomes Project 0.01597; TOPMed 0.01653; 1000 Genomes Project 30x 0.01671.
gnomAD v4.1: 4,134 of 1,556,230 alleles (0.27%); highest among the groups gnomAD compares: African/African-American, 5.3%; 124 homozygotes.

Submissions (3):

Labcorp Genetics (formerly Invitae), Labcorp
Classification: Benign. Last evaluated: 2019-12-31. Review status: criteria provided, single submitter. Criteria: Invitae Variant Classification Sherloc (09022015). Collection method: clinical testing. Allele origin: germline.

Breakthrough Genomics
Classification: Benign. Review status: criteria provided, single submitter. Criteria: ACMG Guidelines, 2015. Collection method: not provided. Allele origin: germline. Inheritance: Autosomal recessive inheritance. Affected: yes.

PreventionGenetics, part of Exact Sciences
Classification: Benign for CFAP69-related condition. Last evaluated: 2024-05-16. Review status: no assertion criteria provided. Collection method: clinical testing. Allele origin: germline. Not counted in ClinVar's aggregate classification.
Comment: This variant is classified as benign based on ACMG/AMP sequence variant interpretation guidelines (Richards et al. 2015 PMID: 25741868, with internal and published modifications).